The following is an entry in ClinVar:

ClinVar aggregate classification (germline): Likely benign (1 of 4 stars; one submission).

Conditions:
Miller syndrome (POADS). Also called: GENEE-WIEDEMANN SYNDROME; Genee-Wiedemann acrofacial dysostosis. Identifiers: Orphanet 246, MedGen C0265257, MONDO:0009903, OMIM 263750.

Allele frequency attached by ClinVar (database versions not stated): gnomAD 0.00025 and 0.00040; TOPMed 0.00069; gnomAD exomes 0.00105; 1000 Genomes Project 30x 0.00219; 1000 Genomes Project 0.00240.
gnomAD v4.1: 457 of 547,280 alleles (0.084%); highest among the groups gnomAD compares: East Asian, 1.4%; 5 homozygotes.

Submission:

Illumina Laboratory Services, Illumina
Classification: Likely benign for Miller syndrome. Last evaluated: 2018-01-13. Review status: criteria provided, single submitter. Criteria: ICSL Variant Classification Criteria 13 December 2019. Collection method: clinical testing. Allele origin: germline.
Comment: This variant was observed in the ICSL laboratory as part of a predisposition screen in an ostensibly healthy population. It had not been previously curated by ICSL or reported in the Human Gene Mutation Database (HGMD: prior to June 1st, 2018), and was therefore a candidate for classification through an automated scoring system. Utilizing variant allele frequency, disease prevalence and penetrance estimates, and inheritance mode, an automated score was calculated to assess if this variant is too frequent to cause the disease. Based on the score and internal cut-off values, a variant classified as likely benign is not then subjected to further curation. The score for this variant resulted in a classification of likely benign for this disease.

NM_001361.5(DHODH):c.*252C>T

Genes: DHODH (dihydroorotate dehydrogenase (quinone); plus strand), LOC126862390 (MED14-independent group 3 enhancer GRCh37_chr16:72057307-72058506; plus strand). Cytogenetic location: 16q22.2.
Variant type: single nucleotide variant.
Coding change: c.*252C>T on transcript NM_001361.5 (MANE Select); 252 bases downstream of the stop codon, C replaced by T.
Molecular consequence: 3 prime UTR variant.
Genome position (GRCh38, 1-based): chr16:72,024,451, C>T. VCF-style: chr16-72024451-C-T. GRCh37 (hg19) VCF-style: chr16-72058350-C-T.
Identifiers: ClinVar variation 320445 (VCV000320445.5), dbSNP rs147792232, ClinGen allele CA10638315.
Genomic context (GRCh38, chr16:72,024,451, plus strand): 5'-TAAACTGCATTTTTGATTCTTTGTGGATTCAAACCCTAGGATCCATCAGTCTTGCAAGGA[C>T]ATTGAATATTAGGAGGAAAAAGTCATGGAAAAAATAAAGCCATTTAGAACCTGGGTTTCA-3'